The following is an entry in ClinVar:

ClinVar aggregate classification (germline): Likely benign. Review status: criteria provided, multiple submitters, no conflicts (2 of 4 stars). 2 submissions from 2 submitters: Likely benign (2). Last evaluated 2024-12-18.

Conditions:
SIPA1L3-related disorder. Also called: SIPA1L3-related condition.

Allele frequency attached by ClinVar (database versions not stated): gnomAD exomes 0.00002; ExAC 0.00003.
gnomAD v4.1: 32 of 1,614,024 alleles (0.002%); highest among the groups gnomAD compares: East Asian, 0.013%; 1 homozygote.

Submissions (2):

PreventionGenetics, part of Exact Sciences
Classification: Likely benign for SIPA1L3-related condition. Last evaluated: 2024-12-18. Review status: criteria provided, single submitter. Criteria: ACMG Guidelines, 2015. Collection method: clinical testing. Allele origin: germline.
Comment: This variant is classified as likely benign based on ACMG/AMP sequence variant interpretation guidelines (Richards et al. 2015 PMID: 25741868, with internal and published modifications).

Labcorp Genetics (formerly Invitae), Labcorp
Classification: Likely benign. Last evaluated: 2024-01-18. Review status: criteria provided, single submitter. Criteria: Invitae Variant Classification Sherloc (09022015). Collection method: clinical testing. Allele origin: germline.

NM_015073.3(SIPA1L3):c.2193C>T (p.Gly731=)

Gene: SIPA1L3 (signal induced proliferation associated 1 like 3; plus strand). Cytogenetic location: 19q13.13.
Variant type: single nucleotide variant.
Coding change: c.2193C>T on transcript NM_015073.3 (MANE Select); coding-DNA position 2193, C replaced by T.
Protein change: p.Gly731=; no amino-acid change (glycine 731 retained).
Molecular consequence: synonymous variant.
Genome position (GRCh38, 1-based): chr19:38,110,286, C>T. VCF-style: chr19-38110286-C-T. GRCh37 (hg19) VCF-style: chr19-38600926-C-T.
Other names: c.2193C>T (NM_015073.2).
Identifiers: ClinVar variation 2722657 (VCV002722657.4), dbSNP rs746174616, ClinGen allele CA9409620.
Genomic context (GRCh38, chr19:38,110,286, plus strand): 5'-GCTGCTACGGAAGAGGCACATAGGAAATGACATCGTGACGATCATCTTCCAGGAGCCTGG[C>T]GCGCTACCGTTCACCCCCAAGAACATCCGCTCCCACTTCCAGCACGTCTTCATCATTGTC-3'
Protein context (NP_055888.1, residues 721-741): DIVTIIFQEP[Gly731=]ALPFTPKNIR